The following is an entry in ClinVar:

ClinVar aggregate classification (germline): Uncertain significance. Review status: criteria provided, multiple submitters, no conflicts (2 of 4 stars). 2 submissions from 2 submitters: Uncertain significance (2). Last evaluated 2025-05-15.

Conditions:
Fanconi anemia (FA). Also called: Fanconi's anemia. Identifiers: Orphanet 84, MedGen C0015625, MeSH D005199, MONDO:0019391.
Inborn genetic diseases. Identifiers: MedGen C0950123, MeSH D030342.

Allele frequency attached by ClinVar (database versions not stated): gnomAD below 0.00001 and 0.00001.
gnomAD v4.1: 1 of 1,611,598 alleles (0.000062%); highest among the groups gnomAD compares: South Asian, 0.0011%; no homozygotes.

Submissions (2):

Ambry Genetics
Classification: Uncertain significance for Inborn genetic diseases. Last evaluated: 2025-05-15. Review status: criteria provided, single submitter. Criteria: Ambry Variant Classification Scheme 2023. Collection method: clinical testing. Allele origin: germline.
Comment: The p.A410T variant (also known as c.1228G>A), located in coding exon 10 of the FANCG gene, results from a G to A substitution at nucleotide position 1228. The alanine at codon 410 is replaced by threonine, an amino acid with similar properties. This amino acid position is conserved. In addition, this alteration is predicted to be tolerated by in silico analysis. Based on the available evidence, the clinical significance of this variant remains unclear.

Labcorp Genetics (formerly Invitae), Labcorp
Classification: Uncertain significance for Fanconi anemia. Last evaluated: 2019-08-23. Review status: criteria provided, single submitter. Criteria: Invitae Variant Classification Sherloc (09022015). Collection method: clinical testing. Allele origin: germline.
Comment: In summary, the available evidence is currently insufficient to determine the role of this variant in disease. Therefore, it has been classified as a Variant of Uncertain Significance. Algorithms developed to predict the effect of missense changes on protein structure and function are either unavailable or do not agree on the potential impact of this missense change (SIFT: "Tolerated"; PolyPhen-2: "Probably Damaging"; Align-GVGD: "Class C0"). This variant has not been reported in the literature in individuals with FANCG-related conditions. This variant is not present in population databases (ExAC no frequency). This sequence change replaces alanine with threonine at codon 410 of the FANCG protein (p.Ala410Thr). The alanine residue is moderately conserved and there is a small physicochemical difference between alanine and threonine.

NM_004629.2(FANCG):c.1228G>A (p.Ala410Thr)

Gene: FANCG (FA complementation group G; minus strand). Cytogenetic location: 9p13.3.
Variant type: single nucleotide variant.
Coding change: c.1228G>A on transcript NM_004629.2 (MANE Select); coding-DNA position 1228, G replaced by A.
Protein change: p.Ala410Thr; replaces alanine 410 with threonine.
Molecular consequence: missense variant.
Genome position (GRCh38, 1-based): chr9:35,075,670, C>T on the plus strand (G>A on the coding strand, the complement: FANCG is on the minus strand). VCF-style: chr9-35075670-C-T. GRCh37 (hg19) VCF-style: chr9-35075667-C-T.
Other names: short protein forms A410T.
Identifiers: ClinVar variation 955711 (VCV000955711.10), dbSNP rs1829068737, ClinGen allele CA373308875.
Genomic context (GRCh38, chr9:35,075,670, plus strand): 5'-TGGGTAGCAGAGATGATGTGCGGCTGAGCAACTCCTCACATAGAGTCAAGGCATCTTGGG[C>T]TCTGCCTGCCTGGATCAGTGCTACCGCTGCCTCCAAAAACACCTCAGGCATACAGGGCCC-3'
Protein context (NP_004620.1, residues 400-420): AAVALIQAGR[Ala410Thr]QDALTLCEEL